The following is an entry in ClinVar:

NM_001267550.2(TTN):c.61572C>T (p.Asp20524=)

Genes: TTN (titin; minus strand), TTN-AS1 (TTN antisense RNA 1; plus strand). Cytogenetic location: 2q31.2.
Variant type: single nucleotide variant.
Coding change: c.61572C>T on transcript NM_001267550.2 (MANE Select); coding-DNA position 61572, C replaced by T.
Protein change: p.Asp20524=; no amino-acid change (aspartic acid 20524 retained).
Molecular consequence: synonymous variant.
Genome position (GRCh38, 1-based): chr2:178,590,153, G>A on the plus strand (C>T on the coding strand, the complement: TTN is on the minus strand). VCF-style: chr2-178590153-G-A. GRCh37 (hg19) VCF-style: chr2-179454880-G-A.
Other names: c.56649C>T, p.Asp18883= (NM_001256850.1); c.34377C>T, p.Asp11459= (NM_003319.4); c.53868C>T, p.Asp17956= (NM_133378.4); c.34752C>T, p.Asp11584= (NM_133432.3); c.34953C>T, p.Asp11651= (NM_133437.4).
Identifiers: ClinVar variation 1586581 (VCV001586581.30), dbSNP rs776014619, ClinGen allele CA1992348.

ClinVar aggregate classification (germline): Likely benign. Review status: criteria provided, multiple submitters, no conflicts (2 of 4 stars). 3 submissions from 3 submitters: Likely benign (3). Last evaluated 2025-12-16.

Conditions:
Cardiovascular phenotype. Identifiers: MedGen CN230736.
Autosomal recessive limb-girdle muscular dystrophy type 2J (LGMDR10). Also called: Limb-girdle muscular dystrophy, type 2J; MUSCULAR DYSTROPHY, LIMB-GIRDLE, AUTOSOMAL RECESSIVE 10. Identifiers: Orphanet 140922, MedGen C1837342, MONDO:0012127, OMIM 608807.
Dilated cardiomyopathy 1G (CMD1G). Identifiers: Orphanet 154, MedGen C1858763, MONDO:0011400, OMIM 604145.

Allele frequency attached by ClinVar (database versions not stated): gnomAD exomes below 0.00001 and 0.00001; TOPMed below 0.00001; ExAC 0.00001; gnomAD 0.00001.
gnomAD v4.1: 2 of 1,612,946 alleles (0.00012%); highest among the groups gnomAD compares: Non-Finnish European, 0.00017%; no homozygotes.

Submissions (3):

Labcorp Genetics (formerly Invitae), Labcorp
Classification: Likely benign for Dilated cardiomyopathy 1G; Autosomal recessive limb-girdle muscular dystrophy type 2J. Last evaluated: 2025-12-16. Review status: criteria provided, single submitter. Criteria: Invitae Variant Classification Sherloc (09022015). Collection method: clinical testing. Allele origin: germline.

CeGaT Center for Human Genetics Tuebingen
Classification: Likely benign. Last evaluated: 2024-04-01. Review status: criteria provided, single submitter. Criteria: CeGaT Center For Human Genetics Tuebingen Variant Classification Criteria Version 2. Collection method: clinical testing. Allele origin: germline. Affected: yes. Observed: 1 variant allele.
Comment: TTN: BP4, BP7

Ambry Genetics
Classification: Likely benign for Cardiovascular phenotype. Last evaluated: 2022-12-25. Review status: criteria provided, single submitter. Criteria: Ambry Variant Classification Scheme 2023. Collection method: clinical testing. Allele origin: germline.